The following is an entry in ClinVar:

NM_000138.5(FBN1):c.3717C>T (p.Ile1239=)

Gene: FBN1 (fibrillin 1; minus strand). Cytogenetic location: 15q21.1.
Variant type: single nucleotide variant.
Coding change: c.3717C>T on transcript NM_000138.5 (MANE Select); coding-DNA position 3717, C replaced by T.
Protein change: p.Ile1239=; no amino-acid change (isoleucine 1239 retained).
Molecular consequence: synonymous variant.
Genome position (GRCh38, 1-based): chr15:48,483,939, G>A on the plus strand (C>T on the coding strand, the complement: FBN1 is on the minus strand). VCF-style: chr15-48483939-G-A. GRCh37 (hg19) VCF-style: chr15-48776136-G-A.
Identifiers: ClinVar variation 1661533 (VCV001661533.29), dbSNP rs759387957, ClinGen allele CA051479.

ClinVar aggregate classification (germline): Likely benign. Review status: criteria provided, multiple submitters, no conflicts (2 of 4 stars). 4 submissions from 4 submitters: Likely benign (4). Last evaluated 2024-08-23.

Conditions:
Marfan syndrome (MFS). Also called: Marfan's syndrome; MARFAN SYNDROME, TYPE I; Marfan syndrome, classic; FBN1-Related Marfan Syndrome; Marfan syndrome type 1. Identifiers: Orphanet 284963, Orphanet 558, MedGen C0024796, MONDO:0007947, OMIM 154700.
Familial thoracic aortic aneurysm and aortic dissection (TAAD). Also called: Thoracic aortic aneurysms and dissections. Identifiers: Orphanet 91387, MedGen C4707243, MONDO:0019625.

Allele frequency attached by ClinVar (database versions not stated): gnomAD exomes below 0.00001; ExAC 0.00001; gnomAD 0.00001.
gnomAD v4.1: 13 of 1,612,540 alleles (0.00081%); highest among the groups gnomAD compares: African/African-American, 0.0027%; no homozygotes.

Submissions (4):

All of Us Research Program, National Institutes of Health
Classification: Likely benign for Marfan syndrome. Last evaluated: 2024-08-23. Review status: criteria provided, single submitter. Criteria: ACMG Guidelines, 2015. Collection method: clinical testing. Allele origin: germline. Inheritance: Autosomal dominant inheritance. Observed: 1 variant allele, 1 heterozygote.
Comment: This study involves interpretation of variants in research participants for the purpose of population health screening. Participant phenotype was not available at the time of variant classification. Additional details can be found in publication PMID: 35346344, PMCID: PMC8962531

CeGaT Center for Human Genetics Tuebingen
Classification: Likely benign. Last evaluated: 2024-06-01. Review status: criteria provided, single submitter. Criteria: CeGaT Center For Human Genetics Tuebingen Variant Classification Criteria Version 2. Collection method: clinical testing. Allele origin: germline. Affected: yes. Observed: 1 variant allele.
Comment: FBN1: BP4, BP7

Labcorp Genetics (formerly Invitae), Labcorp
Classification: Likely benign for Marfan syndrome; Familial thoracic aortic aneurysm and aortic dissection. Last evaluated: 2023-12-07. Review status: criteria provided, single submitter. Criteria: Invitae Variant Classification Sherloc (09022015). Collection method: clinical testing. Allele origin: germline.

Ambry Genetics
Classification: Likely benign for Familial thoracic aortic aneurysm and aortic dissection. Last evaluated: 2022-10-07. Review status: criteria provided, single submitter. Criteria: Ambry Variant Classification Scheme 2023. Collection method: clinical testing. Allele origin: germline.